The following is an entry in ClinVar:

ClinVar aggregate classification (germline): Uncertain significance (1 of 4 stars; one submission).

Conditions:
Autoimmune lymphoproliferative syndrome type 2B. Also called: AUTOIMMUNE LYMPHOPROLIFERATIVE SYNDROME, TYPE IIB. Identifiers: Orphanet 275517, MedGen C1846545, MONDO:0011804, OMIM 607271.

Allele frequency attached by ClinVar (database versions not stated): gnomAD exomes 0.00001.
gnomAD v4.1: 5 of 1,614,110 alleles (0.00031%); highest among the groups gnomAD compares: Non-Finnish European, 0.00042%; no homozygotes.

Submission:

Labcorp Genetics (formerly Invitae), Labcorp
Classification: Uncertain significance for Autoimmune lymphoproliferative syndrome type 2B. Last evaluated: 2022-05-17. Review status: criteria provided, single submitter. Criteria: Invitae Variant Classification Sherloc (09022015). Collection method: clinical testing. Allele origin: germline.
Comment: This variant has not been reported in the literature in individuals affected with CASP8-related conditions. This sequence change replaces glutamic acid, which is acidic and polar, with glycine, which is neutral and non-polar, at codon 292 of the CASP8 protein (p.Glu292Gly). This variant is not present in population databases (gnomAD no frequency). Algorithms developed to predict the effect of missense changes on protein structure and function (SIFT, PolyPhen-2, Align-GVGD) all suggest that this variant is likely to be tolerated. In summary, the available evidence is currently insufficient to determine the role of this variant in disease. Therefore, it has been classified as a Variant of Uncertain Significance.

NM_001372051.1(CASP8):c.824A>G (p.Glu275Gly)

Gene: CASP8 (caspase 8; plus strand). Cytogenetic location: 2q33.1.
Variant type: single nucleotide variant.
Coding change: c.824A>G on transcript NM_001372051.1 (MANE Select); coding-DNA position 824, A replaced by G.
Protein change: p.Glu275Gly; replaces glutamic acid 275 with glycine.
Molecular consequence: missense variant. On other transcripts: non-coding transcript variant (22), intron variant (1).
Genome position (GRCh38, 1-based): chr2:201,284,837, A>G. VCF-style: chr2-201284837-A-G. GRCh37 (hg19) VCF-style: chr2-202149560-A-G.
Other names: c.779A>G, p.Glu260Gly (NM_001080124.2, NM_001400658.1, NM_001400659.1 and 5 more transcripts); c.1001A>G, p.Glu334Gly (NM_001080125.2); c.875A>G, p.Glu292Gly (NM_001228.5); c.956A>G, p.Glu319Gly (NM_001400642.1); c.857A>G, p.Glu286Gly (NM_001400645.1); c.824A>G, p.Glu275Gly (NM_001400648.1, NM_001400651.1, NM_001400653.1 and 5 more transcripts); c.755A>G, p.Glu252Gly (NM_001400664.1); c.749A>G, p.Glu250Gly (NM_001400665.1); and 7 more; short protein forms E61G, E191G, E250G, E292G, E76G, E172G, E252G, E260G.
Identifiers: ClinVar variation 1995082 (VCV001995082.4), dbSNP rs2470466454, ClinGen allele CA350298464.